The following is an entry in ClinVar:

NM_000094.4(COL7A1):c.3053T>A (p.Leu1018Gln)

Gene: COL7A1 (collagen type VII alpha 1 chain; minus strand). Cytogenetic location: 3p21.31.
Variant type: single nucleotide variant.
Coding change: c.3053T>A on transcript NM_000094.4 (MANE Select); coding-DNA position 3053, T replaced by A.
Protein change: p.Leu1018Gln; replaces leucine 1018 with glutamine.
Molecular consequence: missense variant.
Genome position (GRCh38, 1-based): chr3:48,587,276, A>T on the plus strand (T>A on the coding strand, the complement: COL7A1 is on the minus strand). VCF-style: chr3-48587276-A-T. GRCh37 (hg19) VCF-style: chr3-48624709-A-T.
Other names: short protein forms L1018Q.
Identifiers: ClinVar variation 1719164 (VCV001719164.3), dbSNP rs2045339623, ClinGen allele CA352712976.

ClinVar aggregate classification (germline): Uncertain significance (1 of 4 stars; one submission).

Allele frequency attached by ClinVar (database versions not stated): gnomAD exomes below 0.00001.
gnomAD v4.1: 2 of 1,610,498 alleles (0.00012%); highest among the groups gnomAD compares: East Asian, 0.0045%; no homozygotes.

Submission:

Labcorp Genetics (formerly Invitae), Labcorp
Classification: Uncertain significance. Last evaluated: 2022-09-10. Review status: criteria provided, single submitter. Criteria: Invitae Variant Classification Sherloc (09022015). Collection method: clinical testing. Allele origin: germline.
Comment: This sequence change replaces leucine, which is neutral and non-polar, with glutamine, which is neutral and polar, at codon 1018 of the COL7A1 protein (p.Leu1018Gln). This variant is not present in population databases (gnomAD no frequency). This variant has not been reported in the literature in individuals affected with COL7A1-related conditions. Advanced modeling of protein sequence and biophysical properties (such as structural, functional, and spatial information, amino acid conservation, physicochemical variation, residue mobility, and thermodynamic stability) performed at Invitae indicates that this missense variant is not expected to disrupt COL7A1 protein function. In summary, the available evidence is currently insufficient to determine the role of this variant in disease. Therefore, it has been classified as a Variant of Uncertain Significance.